The following is an entry in ClinVar:

ClinVar aggregate classification (germline): Uncertain significance (1 of 4 stars; one submission).

gnomAD v4.1: 1 of 1,613,418 alleles (0.000062%); highest among the groups gnomAD compares: Non-Finnish European, 0.000085%; no homozygotes.

Submission:

Labcorp Genetics (formerly Invitae), Labcorp
Classification: Uncertain significance. Last evaluated: 2025-08-10. Review status: criteria provided, single submitter. Criteria: Invitae Variant Classification Sherloc (09022015). Collection method: clinical testing. Allele origin: germline.
Comment: This sequence change replaces threonine, which is neutral and polar, with isoleucine, which is neutral and non-polar, at codon 414 of the COL11A1 protein (p.Thr414Ile). This variant is present in population databases (rs746973105, gnomAD 0.0009%). This variant has not been reported in the literature in individuals affected with COL11A1-related conditions. Invitae Evidence Modeling of protein sequence and biophysical properties (such as structural, functional, and spatial information, amino acid conservation, physicochemical variation, residue mobility, and thermodynamic stability) indicates that this missense variant is not expected to disrupt COL11A1 protein function with a negative predictive value of 80%. In summary, the available evidence is currently insufficient to determine the role of this variant in disease. Therefore, it has been classified as a Variant of Uncertain Significance.

NM_001854.4(COL11A1):c.1241C>T (p.Thr414Ile)

Gene: COL11A1 (collagen type XI alpha 1 chain; minus strand). Cytogenetic location: 1p21.1.
Variant type: single nucleotide variant.
Coding change: c.1241C>T on transcript NM_001854.4 (MANE Select); coding-DNA position 1241, C replaced by T.
Protein change: p.Thr414Ile; replaces threonine 414 with isoleucine.
Molecular consequence: missense variant. On other transcripts: non-coding transcript variant (1), intron variant (1).
Genome position (GRCh38, 1-based): chr1:103,022,746, G>A on the plus strand (C>T on the coding strand, the complement: COL11A1 is on the minus strand). VCF-style: chr1-103022746-G-A. GRCh37 (hg19) VCF-style: chr1-103488302-G-A.
Other names: c.1124C>T, p.Thr375Ile (NM_001190709.2); c.1277C>T, p.Thr426Ile (NM_080629.3); c.898-977C>T (NM_080630.4); short protein forms T375I, T414I, T426I.
Identifiers: ClinVar variation 4762219 (VCV004762219.1).